The following is an entry in ClinVar:

ClinVar aggregate classification (germline): Pathogenic (1 of 4 stars; one submission).

Conditions:
Chédiak-Higashi syndrome (CHS). Also called: Chediak-Higashi Syndrome. Identifiers: Orphanet 167, MedGen C0007965, MONDO:0008963, OMIM 214500.

Submission:

Labcorp Genetics (formerly Invitae), Labcorp
Classification: Pathogenic for Chédiak-Higashi syndrome. Last evaluated: 2025-03-26. Review status: criteria provided, single submitter. Criteria: Invitae Variant Classification Sherloc (09022015). Collection method: clinical testing. Allele origin: germline.
Comment: This sequence change creates a premature translational stop signal (p.Lys847Argfs*52) in the LYST gene. It is expected to result in an absent or disrupted protein product. Loss-of-function variants in LYST are known to be pathogenic (PMID: 9215679, 11857544). This variant is not present in population databases (gnomAD no frequency). This variant has not been reported in the literature in individuals affected with LYST-related conditions. ClinVar contains an entry for this variant (Variation ID: 2040982). For these reasons, this variant has been classified as Pathogenic.

Literature cited by the submitters: PubMed 9215679; PubMed 11857544.

NM_000081.4(LYST):c.2540del (p.Lys847fs)

Gene: LYST (lysosomal trafficking regulator; minus strand). Cytogenetic location: 1q42.3.
Variant type: Deletion.
Coding change: c.2540del on transcript NM_000081.4 (MANE Select); coding-DNA position 2540, one base deleted (A; older notation c.2540delA).
Protein change: p.Lys847fs; shifts the reading frame from lysine 847.
Molecular consequence: frameshift variant.
Genome position (GRCh38, 1-based): chr1:235,806,596, T deleted on the plus strand (A on the coding strand, the reverse complement: LYST is on the minus strand); the first of 2 consecutive T bases (chr1:235,806,596-235,806,597); deleting either gives the same sequence. VCF-style (leftmost placement, unchanged base first): chr1-235806595-CT-C. GRCh37 (hg19) VCF-style: chr1-235969895-CT-C.
Other names: c.2540del, p.Lys847fs (NM_001301365.1); short protein forms K847fs.
Identifiers: ClinVar variation 2040982 (VCV002040982.4), dbSNP rs1672863537, ClinGen allele CA2486650239.
Genomic context (GRCh38, chr1:235,806,595, plus strand): 5'-AGAATCTGAATAAGCTTGCTGATGATGAAAAGAAGTACCCACATGTACAGAGGACAACTC[CT>C]TCTGTTCAATGTCTATCCCATCAATATCTGGAACTGAGGCATCTTTCTGTTGCTCCCCTA-3'